The following is an entry in ClinVar:

ClinVar aggregate classification (germline): Conflicting classifications of pathogenicity. Review status: criteria provided, conflicting classifications (1 of 4 stars). 3 submissions from 3 submitters: Uncertain significance (2); Likely benign (1). Last evaluated 2025-12-18.

Conditions:
MYPN-related myopathy (CMYO24). Also called: Nemaline myopathy 11, autosomal recessive. Identifiers: MedGen C4479186, MONDO:0015023, OMIM 617336.
Dilated cardiomyopathy 1KK (CMD1KK). Identifiers: Orphanet 154, Orphanet 75249, MedGen C3714995, MONDO:0014100, OMIM 615248.
Cardiovascular phenotype. Identifiers: MedGen CN230736.

Allele frequency attached by ClinVar (database versions not stated): ExAC 0.00001; gnomAD 0.00003; 1000 Genomes Project 0.00020; 1000 Genomes Project 30x 0.00031.
gnomAD v4.1: 11 of 1,614,136 alleles (0.00068%); highest among the groups gnomAD compares: East Asian, 0.018%; no homozygotes.

Submissions (3):

Ambry Genetics
Classification: Likely benign for Cardiovascular phenotype. Last evaluated: 2025-12-18. Review status: criteria provided, single submitter. Criteria: Ambry Variant Classification Scheme 2023. Collection method: clinical testing. Allele origin: germline.

Labcorp Genetics (formerly Invitae), Labcorp
Classification: Uncertain significance for Dilated cardiomyopathy 1KK. Last evaluated: 2024-11-11. Review status: criteria provided, single submitter. Criteria: Invitae Variant Classification Sherloc (09022015). Collection method: clinical testing. Allele origin: germline.
Comment: This sequence change replaces alanine, which is neutral and non-polar, with valine, which is neutral and non-polar, at codon 217 of the MYPN protein (p.Ala217Val). This variant is present in population databases (rs199476403, gnomAD 0.03%). This variant has not been reported in the literature in individuals affected with MYPN-related conditions. ClinVar contains an entry for this variant (Variation ID: 1063051). An algorithm developed to predict the effect of missense changes on protein structure and function (PolyPhen-2) suggests that this variant¬†is likely to be tolerated. In summary, the available evidence is currently insufficient to determine the role of this variant in disease. Therefore, it has been classified as a Variant of Uncertain Significance.

Department of Pathology and Laboratory Medicine, Sinai Health System
Classification: Uncertain significance for Dilated cardiomyopathy 1KK; MYPN-related myopathy. Last evaluated: 2021-08-10. Review status: criteria provided, single submitter. Criteria: ACMG Guidelines, 2015. Collection method: research. Allele origin: germline.

NM_032578.4(MYPN):c.650C>T (p.Ala217Val)

Gene: MYPN (myopalladin; plus strand). Cytogenetic location: 10q21.3.
Variant type: single nucleotide variant.
Coding change: c.650C>T on transcript NM_032578.4 (MANE Select); coding-DNA position 650, C replaced by T.
Protein change: p.Ala217Val; replaces alanine 217 with valine.
Molecular consequence: missense variant. On other transcripts: 5 prime UTR variant (1), non-coding transcript variant (1).
Genome position (GRCh38, 1-based): chr10:68,122,088, C>T. VCF-style: chr10-68122088-C-T. GRCh37 (hg19) VCF-style: chr10-69881845-C-T.
Other names: c.650C>T (NM_032578.2); c.650C>T, p.Ala217Val (NM_001256267.2); c.-473C>T (NM_001256268.2); short protein forms A217V.
Identifiers: ClinVar variation 1063051 (VCV001063051.8), dbSNP rs199476403, ClinGen allele CA5522307.
Genomic context (GRCh38, chr10:68,122,088, plus strand): 5'-CCAGTTTCTCAGATCTGTCAGAAAGACGAGAAAGATCTTCTGTTCCCATCCCTATCCCTG[C>T]GGATACCAGGGATAATGAAGTGAATCACGCCCTGGAACAGCAGGAAGCCAAGAGGCGTGA-3'
Protein context (NP_115967.2, residues 207-227): ERSSVPIPIP[Ala217Val]DTRDNEVNHA